The following is an entry in ClinVar:

ClinVar aggregate classification (germline): Uncertain significance (1 of 4 stars; one submission).

Submission:

Labcorp Genetics (formerly Invitae), Labcorp
Classification: Uncertain significance. Last evaluated: 2022-02-08. Review status: criteria provided, single submitter. Criteria: Invitae Variant Classification Sherloc (09022015). Collection method: clinical testing. Allele origin: germline.
Comment: In summary, the available evidence is currently insufficient to determine the role of this variant in disease. Therefore, it has been classified as a Variant of Uncertain Significance. Variants that disrupt the consensus splice site are a relatively common cause of aberrant splicing (PMID: 17576681, 9536098). Algorithms developed to predict the effect of sequence changes on RNA splicing suggest that this variant is not likely to affect RNA splicing. This variant has not been reported in the literature in individuals affected with ITPR1-related conditions. This variant is not present in population databases (gnomAD no frequency). This sequence change falls in intron 4 of the ITPR1 gene. It does not directly change the encoded amino acid sequence of the ITPR1 protein. It affects a nucleotide within the consensus splice site.

Literature cited by the submitters: PubMed 17576681; PubMed 9536098.

NM_001378452.1(ITPR1):c.164-3T>C

Gene: ITPR1 (inositol 1,4,5-trisphosphate receptor type 1; plus strand). Cytogenetic location: 3p26.1.
Variant type: single nucleotide variant.
Coding change: c.164-3T>C on transcript NM_001378452.1 (MANE Select); 3 bases into the intron before coding-DNA position 164, T replaced by C.
Molecular consequence: intron variant.
Genome position (GRCh38, 1-based): chr3:4,627,760, T>C. VCF-style: chr3-4627760-T-C. GRCh37 (hg19) VCF-style: chr3-4669444-T-C.
Other names: c.164-3T>C (NM_001099952.4, NM_001168272.2, NM_002222.7).
Identifiers: ClinVar variation 2095280 (VCV002095280.4), dbSNP rs1031725122, ClinGen allele CA68782737.
Genomic context (GRCh38, chr3:4,627,760, plus strand): 5'-TTCCTTAGGCTGAGTCTCTATACACCCTCAATGGCAATTTCTGTTTGTTTGCTTCACTTC[T>C]AGACTGCCTCTTTAAGCTATGTCCCATGAACCGCTACTCTGCCCAAAAGCAGTTCTGGAA-3'